The following is an entry in ClinVar:

NM_000038.6(APC):c.5837C>A (p.Ala1946Glu)

Gene: APC (APC regulator of Wnt signaling pathway; plus strand). Cytogenetic location: 5q22.2.
Variant type: single nucleotide variant.
Coding change: c.5837C>A on transcript NM_000038.6 (MANE Select); coding-DNA position 5837, C replaced by A.
Protein change: p.Ala1946Glu; replaces alanine 1946 with glutamic acid.
Molecular consequence: missense variant.
Genome position (GRCh38, 1-based): chr5:112,841,431, C>A. VCF-style: chr5-112841431-C-A. GRCh37 (hg19) VCF-style: chr5-112177128-C-A.
Other names: c.5837C>A, p.Ala1946Glu (NM_001127510.3, NM_001354895.2); c.5783C>A, p.Ala1928Glu (NM_001127511.3); c.5891C>A, p.Ala1964Glu (NM_001354896.2); c.5867C>A, p.Ala1956Glu (NM_001354897.2); c.5762C>A, p.Ala1921Glu (NM_001354898.2); c.5753C>A, p.Ala1918Glu (NM_001354899.2); c.5714C>A, p.Ala1905Glu (NM_001354900.2); c.5660C>A, p.Ala1887Glu (NM_001354901.2); and 5 more; short protein forms A1663E, A1820E, A1887E, A1905E, A1946E, A1845E, A1918E, A1928E.
Identifiers: ClinVar variation 1406039 (VCV001406039.8), dbSNP rs2149950506, ClinGen allele CA16034099.

ClinVar aggregate classification (germline): Uncertain significance (1 of 4 stars; one submission).

Conditions:
Familial adenomatous polyposis 1 (FAP1). Also called: POLYPOSIS, ADENOMATOUS INTESTINAL; FAMILIAL ADENOMATOUS POLYPOSIS 1, ATTENUATED. Identifiers: MedGen C2713442, MONDO:0021056, OMIM 175100. Disease mechanism: loss of function.

Submission:

Labcorp Genetics (formerly Invitae), Labcorp
Classification: Uncertain significance for Familial adenomatous polyposis 1. Last evaluated: 2021-01-30. Review status: criteria provided, single submitter. Criteria: Invitae Variant Classification Sherloc (09022015). Collection method: clinical testing. Allele origin: germline.
Comment: Algorithms developed to predict the effect of missense changes on protein structure and function are either unavailable or do not agree on the potential impact of this missense change (SIFT: "Deleterious"; PolyPhen-2: "Possibly Damaging"; Align-GVGD: "Class C15"). In summary, the available evidence is currently insufficient to determine the role of this variant in disease. Therefore, it has been classified as a Variant of Uncertain Significance. This variant has not been reported in the literature in individuals with APC-related conditions. This variant is not present in population databases (ExAC no frequency). This sequence change replaces alanine with glutamic acid at codon 1946 of the APC protein (p.Ala1946Glu). The alanine residue is highly conserved and there is a moderate physicochemical difference between alanine and glutamic acid.